The following is an entry in ClinVar:

NM_031418.4(ANO3):c.2905C>T (p.Arg969Trp)

Gene: ANO3 (anoctamin 3; plus strand). Cytogenetic location: 11p14.2.
Variant type: single nucleotide variant.
Coding change: c.2905C>T on transcript NM_031418.4 (MANE Select); coding-DNA position 2905, C replaced by T.
Protein change: p.Arg969Trp; replaces arginine 969 with tryptophan.
Molecular consequence: missense variant.
Genome position (GRCh38, 1-based): chr11:26,660,403, C>T. VCF-style: chr11-26660403-C-T. GRCh37 (hg19) VCF-style: chr11-26681950-C-T.
Other names: c.3088C>T, p.Arg1030Trp (NM_001313726.2); c.2467C>T, p.Arg823Trp (NM_001313727.2); short protein forms R1030W, R969W, R823W.
Identifiers: ClinVar variation 862444 (VCV000862444.11), dbSNP rs373975805, ClinGen allele CA5926643.

ClinVar aggregate classification (germline): Uncertain significance. Review status: criteria provided, multiple submitters, no conflicts (2 of 4 stars). 3 submissions from 3 submitters: Uncertain significance (3). Last evaluated 2025-09-15.

Conditions:
Inborn genetic diseases. Identifiers: MedGen C0950123, MeSH D030342.
Dystonic disorder. Also called: Dystonia. Identifiers: MedGen C0013421, MONDO:0003441, HP:0001332.

Allele frequency attached by ClinVar (database versions not stated): gnomAD 0.00001; TOPMed 0.00001; gnomAD exomes 0.00002 and 0.00004; ExAC 0.00006; ESP Exome Variant Server 0.00008.
gnomAD v4.1: 38 of 1,612,356 alleles (0.0024%); highest among the groups gnomAD compares: South Asian, 0.028%; no homozygotes.

Submissions (3):

Labcorp Genetics (formerly Invitae), Labcorp
Classification: Uncertain significance for Dystonic disorder. Last evaluated: 2025-09-15. Review status: criteria provided, single submitter. Criteria: Invitae Variant Classification Sherloc (09022015). Collection method: clinical testing. Allele origin: germline.
Comment: This sequence change replaces arginine, which is basic and polar, with tryptophan, which is neutral and slightly polar, at codon 969 of the ANO3 protein (p.Arg969Trp). This variant is present in population databases (rs373975805, gnomAD 0.03%). This variant has not been reported in the literature in individuals affected with ANO3-related conditions. ClinVar contains an entry for this variant (Variation ID: 862444). Invitae Evidence Modeling of protein sequence and biophysical properties (such as structural, functional, and spatial information, amino acid conservation, physicochemical variation, residue mobility, and thermodynamic stability) has been performed for this missense variant. However, the output from this modeling did not meet the statistical confidence thresholds required to predict the impact of this variant on ANO3 protein function. In summary, the available evidence is currently insufficient to determine the role of this variant in disease. Therefore, it has been classified as a Variant of Uncertain Significance.

Ambry Genetics
Classification: Uncertain significance for Inborn genetic diseases. Last evaluated: 2025-08-01. Review status: criteria provided, single submitter. Criteria: Ambry Variant Classification Scheme 2023. Collection method: clinical testing. Allele origin: germline.

GeneDx
Classification: Uncertain significance. Last evaluated: 2023-01-08. Review status: criteria provided, single submitter. Criteria: GeneDx Variant Classification Process June 2021. Collection method: clinical testing. Allele origin: germline. Affected: yes.
Comment: In silico analysis supports that this missense variant has a deleterious effect on protein structure/function; Has not been previously published as pathogenic or benign to our knowledge